The following is an entry in ClinVar:

ClinVar aggregate classification (germline): Uncertain significance (1 of 4 stars; one submission).

Conditions:
Developmental and epileptic encephalopathy, 30 (DEE30). Also called: Epileptic encephalopathy, early infantile, 30. Identifiers: MedGen C4225360, MONDO:0014595, OMIM 616341.

Submission:

Labcorp Genetics (formerly Invitae), Labcorp
Classification: Uncertain significance for Developmental and epileptic encephalopathy, 30. Last evaluated: 2022-06-10. Review status: criteria provided, single submitter. Criteria: Invitae Variant Classification Sherloc (09022015). Collection method: clinical testing. Allele origin: germline.
Comment: In summary, the available evidence is currently insufficient to determine the role of this variant in disease. Therefore, it has been classified as a Variant of Uncertain Significance. This variant has not been reported in the literature in individuals affected with SIK1-related conditions. This variant is not present in population databases (gnomAD no frequency). This sequence change creates a premature translational stop signal (p.Ala486Argfs*4) in the SIK1 gene. It is expected to result in an absent or disrupted protein product. However, the current clinical and genetic evidence is not sufficient to establish whether loss-of-function variants in SIK1 cause disease.

NM_173354.5(SIK1):c.1455del (p.Ala486fs)

Gene: SIK1 (salt inducible kinase 1; minus strand). Cytogenetic location: 21q22.3.
Variant type: Deletion.
Coding change: c.1455del on transcript NM_173354.5 (MANE Select); coding-DNA position 1455, one base deleted (C; older notation c.1455delC).
Protein change: p.Ala486fs; shifts the reading frame from alanine 486.
Molecular consequence: frameshift variant.
Genome position (GRCh38, 1-based): chr21:43,419,028, G deleted on the plus strand (C on the coding strand, the reverse complement: SIK1 is on the minus strand); the first of 2 consecutive G bases (chr21:43,419,028-43,419,029); deleting either gives the same sequence. VCF-style (leftmost placement, unchanged base first): chr21-43419027-CG-C. GRCh37 (hg19) VCF-style: chr21-44838907-CG-C.
Other names: short protein forms A486fs.
Identifiers: ClinVar variation 2004562 (VCV002004562.4), dbSNP rs2516965676, ClinGen allele CA2580098814.